The following is an entry in ClinVar:

ClinVar aggregate classification (germline): Likely benign (1 of 4 stars; one submission).

Submission:

CeGaT Center for Human Genetics Tuebingen
Classification: Likely benign. Last evaluated: 2025-12-01. Review status: criteria provided, single submitter. Criteria: CeGaT Center For Human Genetics Tuebingen Variant Classification Criteria Version 2. Collection method: clinical testing. Allele origin: germline. Affected: yes. Observed: 1 variant allele.
Comment: DARS2: PM2:Supporting, BP4, BP7

NM_018122.5(DARS2):c.1722G>A (p.Gly574=)

Gene: DARS2 (aspartyl-tRNA synthetase 2, mitochondrial; plus strand). Cytogenetic location: 1q25.1.
Variant type: single nucleotide variant.
Coding change: c.1722G>A on transcript NM_018122.5 (MANE Select); coding-DNA position 1722, G replaced by A.
Protein change: p.Gly574=; no amino-acid change (glycine 574 retained).
Molecular consequence: synonymous variant.
Genome position (GRCh38, 1-based): chr1:173,856,713, G>A. VCF-style: chr1-173856713-G-A. GRCh37 (hg19) VCF-style: chr1-173825851-G-A.
Other names: c.1569G>A, p.Gly523= (NM_001365212.1).
Identifiers: ClinVar variation 4681907 (VCV004681907.5).